The following is an entry in ClinVar:

ClinVar aggregate classification (germline): Benign (1 of 4 stars; one submission).

Allele frequency attached by ClinVar (database versions not stated): gnomAD 0.41355 and 0.42388; TOPMed 0.41655; gnomAD exomes 0.43629; 1000 Genomes Project 30x 0.52217; 1000 Genomes Project 0.53255.
gnomAD v4.1: 306,403 of 707,348 alleles (43%); highest among the groups gnomAD compares: East Asian, 79%; 71,580 homozygotes.

Submission:

GeneDx
Classification: Benign. Last evaluated: 2018-06-14. Review status: criteria provided, single submitter. Criteria: GeneDx Variant Classification (06012015). Collection method: clinical testing. Allele origin: germline. Affected: yes.
Comment: This variant is considered likely benign or benign based on one or more of the following criteria: it is a conservative change, it occurs at a poorly conserved position in the protein, it is predicted to be benign by multiple in silico algorithms, and/or has population frequency not consistent with disease.

NM_004984.4(KIF5A):c.1717-152C>G

Gene: KIF5A (kinesin family member 5A; plus strand). Cytogenetic location: 12q13.3.
Variant type: single nucleotide variant.
Coding change: c.1717-152C>G on transcript NM_004984.4 (MANE Select); 152 bases into the intron before coding-DNA position 1717, C replaced by G.
Molecular consequence: intron variant.
Genome position (GRCh38, 1-based): chr12:57,574,932, C>G. VCF-style: chr12-57574932-C-G. GRCh37 (hg19) VCF-style: chr12-57968715-C-G.
Other names: c.1450-152C>G (NM_001354705.2).
Identifiers: ClinVar variation 682870 (VCV000682870.1), dbSNP rs1678542, ClinGen allele CA13622560.